The following is an entry in ClinVar:

ClinVar aggregate classification (germline): Pathogenic (1 of 4 stars; one submission).

Conditions:
Vici syndrome (VICIS). Identifiers: Orphanet 1493, MedGen C1855772, MONDO:0009452, OMIM 242840.

Submission:

Labcorp Genetics (formerly Invitae), Labcorp
Classification: Pathogenic for Vici syndrome. Last evaluated: 2017-09-15. Review status: criteria provided, single submitter. Criteria: Invitae Variant Classification Sherloc (09022015). Collection method: clinical testing. Allele origin: germline.
Comment: This sequence change creates a premature translational stop signal (p.Glu142*) in the EPG5 gene. It is expected to result in an absent or disrupted protein product. This variant is not present in population databases (ExAC no frequency). This variant has not been reported in the literature in individuals with EPG5-related disease. Loss-of-function variants in EPG5 are known to be pathogenic (PMID: 23222957, 23674064). For these reasons, this variant has been classified as Pathogenic.

Literature cited by the submitters: PubMed 23222957; PubMed 23674064.

NM_020964.3(EPG5):c.424G>T (p.Glu142Ter)

Gene: EPG5 (ectopic P-granules 5 autophagy tethering factor; minus strand). Cytogenetic location: 18q21.1.
Variant type: single nucleotide variant.
Coding change: c.424G>T on transcript NM_020964.3 (MANE Select); coding-DNA position 424, G replaced by T.
Protein change: p.Glu142Ter; replaces glutamic acid 142 with a stop codon.
Molecular consequence: nonsense.
Genome position (GRCh38, 1-based): chr18:45,954,978, C>A on the plus strand (G>T on the coding strand, the complement: EPG5 is on the minus strand). VCF-style: chr18-45954978-C-A. GRCh37 (hg19) VCF-style: chr18-43534944-C-A.
Other names: c.424G>T, p.Glu142Ter (LRG_1234t1); short protein forms E142*.
Identifiers: ClinVar variation 570219 (VCV000570219.3), dbSNP rs190673127, ClinGen allele CA402351760.